The following is an entry in ClinVar:

NM_052903.6(TUBGCP5):c.345G>A (p.Leu115=)

Gene: TUBGCP5 (tubulin gamma complex component 5; minus strand). Cytogenetic location: 15q11.2.
Variant type: single nucleotide variant.
Coding change: c.345G>A on transcript NM_052903.6 (MANE Select); coding-DNA position 345, G replaced by A.
Protein change: p.Leu115=; no amino-acid change (leucine 115 retained).
Molecular consequence: synonymous variant. On other transcripts: non-coding transcript variant (1).
Genome position (GRCh38, 1-based): chr15:23,032,789, C>T on the plus strand (G>A on the coding strand, the complement: TUBGCP5 is on the minus strand). VCF-style: chr15-23032789-C-T. GRCh37 (hg19) VCF-style: chr15-22840279-G-A.
Other names: c.345G>A, p.Leu115= (NM_001102610.2, NM_001354372.2, NM_001354373.2 and 5 more transcripts).
Identifiers: ClinVar variation 731052 (VCV000731052.28), dbSNP rs61744212, ClinGen allele CA7423231.

ClinVar aggregate classification (germline): Benign/Likely benign. Review status: criteria provided, multiple submitters, no conflicts (2 of 4 stars). 2 submissions from 2 submitters: Benign (1); Likely benign (1). Last evaluated 2022-08-01.

Allele frequency attached by ClinVar (database versions not stated): 1000 Genomes Project 0.00080; 1000 Genomes Project 30x 0.00094.
gnomAD v4.1: 4,362 of 1,589,834 alleles (0.27%); highest among the groups gnomAD compares: Non-Finnish European, 0.35%; 13 homozygotes.

Submissions (2):

CeGaT Center for Human Genetics Tuebingen
Classification: Likely benign. Last evaluated: 2022-08-01. Review status: criteria provided, single submitter. Criteria: CeGaT Center For Human Genetics Tuebingen Variant Classification Criteria Version 2. Collection method: clinical testing. Allele origin: germline. Affected: yes. Observed: 1 variant allele.
Comment: TUBGCP5: BP4, BP7

Labcorp Genetics (formerly Invitae), Labcorp
Classification: Benign. Last evaluated: 2019-12-31. Review status: criteria provided, single submitter. Criteria: Invitae Variant Classification Sherloc (09022015). Collection method: clinical testing. Allele origin: germline.